The following is an entry in ClinVar:

ClinVar aggregate classification (germline): Likely benign (0 of 4 stars; one submission).

Conditions:
ADCY3-related disorder. Also called: ADCY3-related condition.

gnomAD v4.1: 7 of 1,613,706 alleles (0.00043%); highest among the groups gnomAD compares: Non-Finnish European, 0.00051%; no homozygotes.

Submission:

PreventionGenetics, part of Exact Sciences
Classification: Likely benign for ADCY3-related condition. Last evaluated: 2023-04-13. Review status: no assertion criteria provided. Collection method: clinical testing. Allele origin: germline.
Comment: This variant is classified as likely benign based on ACMG/AMP sequence variant interpretation guidelines (Richards et al. 2015 PMID: 25741868, with internal and published modifications).

NM_004036.5(ADCY3):c.1632G>T (p.Thr544=)

Gene: ADCY3 (adenylate cyclase 3; minus strand). Cytogenetic location: 2p23.3.
Variant type: single nucleotide variant.
Coding change: c.1632G>T on transcript NM_004036.5 (MANE Select); coding-DNA position 1632, G replaced by T.
Protein change: p.Thr544=; no amino-acid change (threonine 544 retained).
Molecular consequence: synonymous variant.
Genome position (GRCh38, 1-based): chr2:24,836,947, C>A on the plus strand (G>T on the coding strand, the complement: ADCY3 is on the minus strand). VCF-style: chr2-24836947-C-A. GRCh37 (hg19) VCF-style: chr2-25059816-C-A.
Other names: c.1632G>T, p.Thr544= (NM_001320613.2, NM_001377129.1, NM_001377130.1 and 1 more transcripts); c.1698G>T, p.Thr566= (NM_001377128.1); c.909G>T, p.Thr303= (NM_001377131.1).
Identifiers: ClinVar variation 3356328 (VCV003356328.1).